The following is an entry in ClinVar:

NM_001378457.1(DMXL2):c.6725C>T (p.Thr2242Ile)

Gene: DMXL2 (Dmx like 2; minus strand). Cytogenetic location: 15q21.2.
Variant type: single nucleotide variant.
Coding change: c.6725C>T on transcript NM_001378457.1 (MANE Select); coding-DNA position 6725, C replaced by T.
Protein change: p.Thr2242Ile; replaces threonine 2242 with isoleucine.
Molecular consequence: missense variant. On other transcripts: non-coding transcript variant (2).
Genome position (GRCh38, 1-based): chr15:51,479,979, G>A on the plus strand (C>T on the coding strand, the complement: DMXL2 is on the minus strand). VCF-style: chr15-51479979-G-A. GRCh37 (hg19) VCF-style: chr15-51772176-G-A.
Other names: c.6725C>T, p.Thr2242Ile (NM_001174116.3, NM_001378458.1, NM_001378459.1 and 4 more transcripts); c.4817C>T, p.Thr1606Ile (NM_001174117.3); c.4706C>T, p.Thr1569Ile (NM_001378460.1); c.6485C>T, p.Thr2162Ile (NM_001378464.1); short protein forms T1606I, T2162I, T2242I, T1569I.
Identifiers: ClinVar variation 1948078 (VCV001948078.5), dbSNP rs1182368754, ClinGen allele CA392442504.
Genomic context (GRCh38, chr15:51,479,979, plus strand): 5'-ATATCAAATGATCATAAACTTTACATTACCTTCACATCTTCAATACTGGGATGAGGTGGT[G>A]TTTTCATCTGAACAATAGTATAAAGTATATCATGGATGTGATTATTTAAGTACAATACAG-3'
Protein context (NP_001365386.1, residues 2232-2252): DILYTIVQMK[Thr2242Ile]PPHPSIEDVK

ClinVar aggregate classification (germline): Uncertain significance (1 of 4 stars; one submission).

Allele frequency attached by ClinVar (database versions not stated): gnomAD exomes below 0.00001.
gnomAD v4.1: 2 of 1,523,784 alleles (0.00013%); highest among the groups gnomAD compares: Admixed American, 0.0018%; no homozygotes.

Submission:

Labcorp Genetics (formerly Invitae), Labcorp
Classification: Uncertain significance. Last evaluated: 2025-01-27. Review status: criteria provided, single submitter. Criteria: Invitae Variant Classification Sherloc (09022015). Collection method: clinical testing. Allele origin: germline.
Comment: This sequence change replaces threonine, which is neutral and polar, with isoleucine, which is neutral and non-polar, at codon 2242 of the DMXL2 protein (p.Thr2242Ile). This variant is not present in population databases (gnomAD no frequency). This variant has not been reported in the literature in individuals affected with DMXL2-related conditions. ClinVar contains an entry for this variant (Variation ID: 1948078). An algorithm developed to predict the effect of missense changes on protein structure and function (PolyPhen-2) suggests that this variant is likely to be tolerated. In summary, the available evidence is currently insufficient to determine the role of this variant in disease. Therefore, it has been classified as a Variant of Uncertain Significance.